The following is an entry in ClinVar:

NM_001063.4(TF):c.624G>A (p.Ser208=)

Gene: TF (transferrin; plus strand). Cytogenetic location: 3q22.1.
Variant type: single nucleotide variant.
Coding change: c.624G>A on transcript NM_001063.4 (MANE Select); coding-DNA position 624, G replaced by A.
Protein change: p.Ser208=; no amino-acid change (serine 208 retained).
Molecular consequence: synonymous variant.
Genome position (GRCh38, 1-based): chr3:133,755,484, G>A. VCF-style: chr3-133755484-G-A. GRCh37 (hg19) VCF-style: chr3-133474328-G-A.
Other names: p.Ser208=; c.492G>A, p.Ser164= (NM_001354703.2); c.243G>A, p.Ser81= (NM_001354704.2).
Identifiers: ClinVar variation 343436 (VCV000343436.19), dbSNP rs12769, ClinGen allele CA2625023.

ClinVar aggregate classification (germline): Benign. Review status: criteria provided, multiple submitters, no conflicts (2 of 4 stars). 6 submissions from 6 submitters: Benign (4). 2 of the submissions do not count toward it. Last evaluated 2026-02-04.

Conditions:
Atransferrinemia. Also called: Familial hypotransferrinemia. Identifiers: Orphanet 1195, MedGen C0521802, MONDO:0008846, OMIM 209300, HP:0012239.

Allele frequency attached by ClinVar (database versions not stated): ESP Exome Variant Server 0.25980; gnomAD 0.26134 and 0.27050; TOPMed 0.26757; 1000 Genomes Project 30x 0.30575; 1000 Genomes Project 0.31130; ExAC 0.33055; gnomAD exomes 0.33493.
gnomAD v4.1: 514,041 of 1,613,820 alleles (32%); highest among the groups gnomAD compares: East Asian, 47%; 85,910 homozygotes.

Submissions (6):

Labcorp Genetics (formerly Invitae), Labcorp
Classification: Benign. Last evaluated: 2026-02-04. Review status: criteria provided, single submitter. Criteria: Invitae Variant Classification Sherloc (09022015). Collection method: clinical testing. Allele origin: germline.

Mayo Clinic Laboratories, Mayo Clinic
Classification: Benign. Last evaluated: 2018-09-25. Review status: criteria provided, single submitter. Criteria: ACMG Guidelines, 2015. Collection method: clinical testing. Allele origin: germline. Observed: 22 variant alleles.

Illumina Laboratory Services, Illumina
Classification: Benign for Atransferrinemia. Last evaluated: 2018-01-13. Review status: criteria provided, single submitter. Criteria: ICSL Variant Classification Criteria 13 December 2019. Collection method: clinical testing. Allele origin: germline.
Comment: This variant was observed in the ICSL laboratory as part of a predisposition screen in an ostensibly healthy population. It had not been previously curated by ICSL or reported in the Human Gene Mutation Database (HGMD: prior to June 1st, 2018), and was therefore a candidate for classification through an automated scoring system. Utilizing variant allele frequency, disease prevalence and penetrance estimates, and inheritance mode, an automated score was calculated to assess if this variant is too frequent to cause the disease. Based on the score and internal cut-off values, a variant classified as benign is not then subjected to further curation. The score for this variant resulted in a classification of benign for this disease.

Breakthrough Genomics
Classification: Benign. Review status: criteria provided, single submitter. Criteria: ACMG Guidelines, 2015. Collection method: not provided. Allele origin: germline. Inheritance: Autosomal recessive inheritance. Affected: yes.

Diagnostic Laboratory, Department of Genetics, University Medical Center Groningen
Classification: Benign. Review status: no assertion criteria provided. Collection method: clinical testing. Allele origin: germline. Affected: yes. Study: VKGL Data-share Consensus. Not counted in ClinVar's aggregate classification.

Joint Genome Diagnostic Labs from Nijmegen and Maastricht, Radboudumc and MUMC+
Classification: Benign. Review status: no assertion criteria provided. Collection method: clinical testing. Allele origin: germline. Affected: yes. Study: VKGL Data-share Consensus. Not counted in ClinVar's aggregate classification.